The following is an entry in ClinVar:

ClinVar aggregate classification (germline): Uncertain significance (1 of 4 stars; one submission).

Conditions:
Low phospholipid associated cholelithiasis (GBD1). Also called: Gallbladder disease 1; Gallstone cholecystitis. Identifiers: Orphanet 69663, MedGen C2609268, MONDO:0010939, OMIM 600803.

Submission:

Genomenon, Inc
Classification: Uncertain significance for Low phospholipid associated cholelithiasis. Last evaluated: 2026-04-14. Review status: criteria provided, single submitter. Criteria: Genomenon Sequence Variant Interpretation Standards - Updated. Collection method: curation. Allele origin: germline. Affected: yes.
Comment: ABCB4 p.Leu445Val (c.1333C>G) is a missense variant that changes the amino acid at residue 445 from Leucine to Valine. This variant has been observed in at least one proband with an ABCB4-related disorder (PMID:20422496). It is absent or not present at a significant frequency in gnomAD. In silico models predict that this variant is possibly or probably damaging. In conclusion, we classify ABCB4 p.Leu445Val (c.1333C>G) as a variant of uncertain significance.

Literature cited by the submitters: PubMed 20422496.

NM_000443.4(ABCB4):c.1333C>G (p.Leu445Val)

Gene: ABCB4 (ATP binding cassette subfamily B member 4; minus strand). Cytogenetic location: 7q21.12.
Variant type: single nucleotide variant.
Coding change: c.1333C>G on transcript NM_000443.4 (MANE Select); coding-DNA position 1333, C replaced by G.
Protein change: p.Leu445Val; replaces leucine 445 with valine.
Molecular consequence: missense variant.
Genome position (GRCh38, 1-based): chr7:87,443,342, G>C on the plus strand (C>G on the coding strand, the complement: ABCB4 is on the minus strand). VCF-style: chr7-87443342-G-C. GRCh37 (hg19) VCF-style: chr7-87072658-G-C.
Other names: c.1333C>G, p.Leu445Val (NM_018849.3, NM_018850.3); short protein forms L445V.
Identifiers: ClinVar variation 4846537 (VCV004846537.1).